The following is an entry in ClinVar:

ClinVar aggregate classification (germline): Uncertain significance (1 of 4 stars; one submission).

Conditions:
Cardiovascular phenotype. Identifiers: MedGen CN230736.

gnomAD v4.1: 1 of 1,613,534 alleles (0.000062%); highest among the groups gnomAD compares: African/African-American, 0.0013%; no homozygotes.

Submission:

Ambry Genetics
Classification: Uncertain significance for Cardiovascular phenotype. Last evaluated: 2024-09-25. Review status: criteria provided, single submitter. Criteria: Ambry Variant Classification Scheme 2023. Collection method: clinical testing. Allele origin: germline.
Comment: The p.G249D variant (also known as c.746G>A), located in coding exon 5 of the JAG1 gene, results from a G to A substitution at nucleotide position 746. The glycine at codon 249 is replaced by aspartic acid, an amino acid with similar properties. This amino acid position is conserved. In addition, this alteration is predicted to be deleterious by in silico analysis. Based on the available evidence, the clinical significance of this variant remains unclear.

NM_000214.3(JAG1):c.746G>A (p.Gly249Asp)

Gene: JAG1 (jagged canonical Notch ligand 1; minus strand). Cytogenetic location: 20p12.2.
Variant type: single nucleotide variant.
Coding change: c.746G>A on transcript NM_000214.3 (MANE Select); coding-DNA position 746, G replaced by A.
Protein change: p.Gly249Asp; replaces glycine 249 with aspartic acid.
Molecular consequence: missense variant.
Genome position (GRCh38, 1-based): chr20:10,656,407, C>T on the plus strand (G>A on the coding strand, the complement: JAG1 is on the minus strand). VCF-style: chr20-10656407-C-T. GRCh37 (hg19) VCF-style: chr20-10637055-C-T.
Other names: short protein forms G249D.
Identifiers: ClinVar variation 3531169 (VCV003531169.1).